The following is an entry in ClinVar:

NM_201596.3(CACNB2):c.1178T>G (p.Ile393Arg)

Gene: CACNB2 (calcium voltage-gated channel auxiliary subunit beta 2; plus strand). Cytogenetic location: 10p12.31.
Variant type: single nucleotide variant.
Coding change: c.1178T>G on transcript NM_201596.3 (MANE Select); coding-DNA position 1178, T replaced by G.
Protein change: p.Ile393Arg; replaces isoleucine 393 with arginine.
Molecular consequence: missense variant.
Genome position (GRCh38, 1-based): chr10:18,534,199, T>G. VCF-style: chr10-18534199-T-G. GRCh37 (hg19) VCF-style: chr10-18823128-T-G.
Other names: c.1013T>G, p.Ile338Arg (NM_000724.4); c.980T>G, p.Ile327Arg (NM_001167945.2); c.899T>G, p.Ile300Arg (NM_001330060.2); c.1034T>G, p.Ile345Arg (NM_201570.3); c.1094T>G, p.Ile365Arg (NM_201571.4); c.1022T>G, p.Ile341Arg (NM_201572.4); c.1016T>G, p.Ile339Arg (NM_201590.3); c.1064T>G, p.Ile355Arg (NM_201593.3); and 1 more; short protein forms I327R, I338R, I345R, I355R, I339R, I341R, I369R, I300R.
Identifiers: ClinVar variation 1375258 (VCV001375258.9), dbSNP rs139749312, ClinGen allele CA376068122.

ClinVar aggregate classification (germline): Uncertain significance. Review status: criteria provided, multiple submitters, no conflicts (2 of 4 stars). 3 submissions from 3 submitters: Uncertain significance (3). Last evaluated 2026-01-10.

Conditions:
Cardiovascular phenotype. Identifiers: MedGen CN230736.
Brugada syndrome 4 (BRGDA4). Identifiers: Orphanet 130, MedGen C2678477, MONDO:0012743, OMIM 611876.

gnomAD v4.1: 20 of 1,613,404 alleles (0.0012%); highest among the groups gnomAD compares: Non-Finnish European, 0.0017%; no homozygotes.

Submissions (3):

Women's Health and Genetics/Laboratory Corporation of America, LabCorp
Classification: Uncertain significance. Last evaluated: 2026-01-10. Review status: criteria provided, single submitter. Criteria: LabCorp Variant Classification Summary - May 2015. Collection method: clinical testing. Allele origin: germline.

Labcorp Genetics (formerly Invitae), Labcorp
Classification: Uncertain significance for Brugada syndrome 4. Last evaluated: 2022-10-24. Review status: criteria provided, single submitter. Criteria: Invitae Variant Classification Sherloc (09022015). Collection method: clinical testing. Allele origin: germline.
Comment: In summary, the available evidence is currently insufficient to determine the role of this variant in disease. Therefore, it has been classified as a Variant of Uncertain Significance. Advanced modeling of protein sequence and biophysical properties (such as structural, functional, and spatial information, amino acid conservation, physicochemical variation, residue mobility, and thermodynamic stability) performed at Invitae indicates that this missense variant is not expected to disrupt CACNB2 protein function. This sequence change replaces isoleucine, which is neutral and non-polar, with arginine, which is basic and polar, at codon 339 of the CACNB2 protein (p.Ile339Arg). This variant is present in population databases (no rsID available, gnomAD 0.0009%). This variant has not been reported in the literature in individuals affected with CACNB2-related conditions. ClinVar contains an entry for this variant (Variation ID: 1375258).

Ambry Genetics
Classification: Uncertain significance for Cardiovascular phenotype. Last evaluated: 2021-06-23. Review status: criteria provided, single submitter. Criteria: Ambry Variant Classification Scheme 2023. Collection method: clinical testing. Allele origin: germline.
Comment: The p.I339R variant (also known as c.1016T>G), located in coding exon 10 of the CACNB2 gene, results from a T to G substitution at nucleotide position 1016. The isoleucine at codon 339 is replaced by arginine, an amino acid with similar properties. This amino acid position is conserved. In addition, this alteration is predicted to be deleterious by in silico analysis. Since supporting evidence is limited at this time, the clinical significance of this alteration remains unclear.